The following is an entry in ClinVar:

ClinVar aggregate classification (germline): Uncertain significance (1 of 4 stars; one submission).

Submission:

GeneDx
Classification: Uncertain significance. Last evaluated: 2024-03-21. Review status: criteria provided, single submitter. Criteria: GeneDx Variant Classification Process June 2021. Collection method: clinical testing. Allele origin: germline. Affected: yes.
Comment: Not observed at significant frequency in large population cohorts (gnomAD); In silico analysis supports that this missense variant has a deleterious effect on protein structure/function; Has not been previously published as pathogenic or benign to our knowledge

NM_001110556.2(FLNA):c.554T>C (p.Ile185Thr)

Gene: FLNA (filamin A; minus strand). Cytogenetic location: Xq28.
Variant type: single nucleotide variant.
Coding change: c.554T>C on transcript NM_001110556.2 (MANE Select); coding-DNA position 554, T replaced by C.
Protein change: p.Ile185Thr; replaces isoleucine 185 with threonine.
Molecular consequence: missense variant.
Genome position (GRCh38, 1-based): chrX:154,367,910, A>G on the plus strand (T>C on the coding strand, the complement: FLNA is on the minus strand). VCF-style: chrX-154367910-A-G. GRCh37 (hg19) VCF-style: chrX-153596278-A-G.
Other names: c.554T>C, p.Ile185Thr (NM_001456.4); short protein forms I185T.
Identifiers: ClinVar variation 3371050 (VCV003371050.1).